The following is an entry in ClinVar:

NM_001267550.2(TTN):c.103365C>T (p.Arg34455=)

Genes: TTN (titin; minus strand), TTN-AS1 (TTN antisense RNA 1; plus strand). Cytogenetic location: 2q31.2.
Variant type: single nucleotide variant.
Coding change: c.103365C>T on transcript NM_001267550.2 (MANE Select); coding-DNA position 103365, C replaced by T.
Protein change: p.Arg34455=; no amino-acid change (arginine 34455 retained).
Molecular consequence: synonymous variant.
Genome position (GRCh38, 1-based): chr2:178,533,250, G>A on the plus strand (C>T on the coding strand, the complement: TTN is on the minus strand). VCF-style: chr2-178533250-G-A. GRCh37 (hg19) VCF-style: chr2-179397977-G-A.
Other names: c.98442C>T, p.Arg32814= (NM_001256850.1); c.76170C>T, p.Arg25390= (NM_003319.4); c.95661C>T, p.Arg31887= (NM_133378.4); c.76545C>T, p.Arg25515= (NM_133432.3); c.76746C>T, p.Arg25582= (NM_133437.4).
Identifiers: ClinVar variation 96326 (VCV000096326.56), dbSNP rs398124462, ClinGen allele CA224011.

ClinVar aggregate classification (germline): Benign/Likely benign. Review status: criteria provided, multiple submitters, no conflicts (2 of 4 stars). 13 submissions from 10 submitters: Benign (5); Likely benign (5). 3 of the submissions do not count toward it. Last evaluated 2025-11-23.

Conditions:
Cardiovascular phenotype. Identifiers: MedGen CN230736.
TTN-related disorder. Also called: TTN-related disorders; TTN-related condition; TTN-related disease.
Dilated cardiomyopathy 1G (CMD1G). Identifiers: Orphanet 154, MedGen C1858763, MONDO:0011400, OMIM 604145.
Autosomal recessive limb-girdle muscular dystrophy type 2J (LGMDR10). Also called: MUSCULAR DYSTROPHY, LIMB-GIRDLE, AUTOSOMAL RECESSIVE 10; Limb-girdle muscular dystrophy, type 2J. Identifiers: Orphanet 140922, MedGen C1837342, MONDO:0012127, OMIM 608807.
Myopathy, myofibrillar, 9, with early respiratory failure (MFM9). Also called: EDSTROM MYOPATHY; MYOPATHY, PROXIMAL, WITH EARLY RESPIRATORY MUSCLE INVOLVEMENT; Myopathy, distal, with early respiratory failure, autosomal dominant; Hereditary myopathy with early respiratory failure. Identifiers: Orphanet 178464, Orphanet 34521, MedGen C1863599, MONDO:0011362, OMIM 603689.
Early-onset myopathy with fatal cardiomyopathy (CMYO5). Also called: Salih Myopathy; CONGENITAL MYOPATHY 5 WITH CARDIOMYOPATHY. Identifiers: Orphanet 289377, MedGen C2673677, MONDO:0012714, OMIM 611705. Disease mechanism: loss of function.
Tibial muscular dystrophy (TMD). Also called: UDD MYOPATHY; Tibial muscular dystrophy, tardive; Udd Distal Myopathy – Tibial Muscular Dystrophy. Identifiers: Orphanet 609, MedGen C1838244, MONDO:0010870, OMIM 600334.

Allele frequency attached by ClinVar (database versions not stated): gnomAD below 0.00001 and 0.00007; TOPMed 0.00001; ExAC 0.00028; gnomAD exomes 0.00029.
gnomAD v4.1: 243 of 1,613,920 alleles (0.015%); highest among the groups gnomAD compares: South Asian, 0.26%; 2 homozygotes.

Submissions (13):

Labcorp Genetics (formerly Invitae), Labcorp
Classification: Benign for Dilated cardiomyopathy 1G; Autosomal recessive limb-girdle muscular dystrophy type 2J. Last evaluated: 2025-11-23. Review status: criteria provided, single submitter. Criteria: Invitae Variant Classification Sherloc (09022015). Collection method: clinical testing. Allele origin: germline.

PreventionGenetics, part of Exact Sciences
Classification: Likely benign for TTN-related condition. Last evaluated: 2025-11-03. Review status: criteria provided, single submitter. Criteria: ACMG Guidelines, 2015. Collection method: clinical testing. Allele origin: germline.
Comment: This variant is classified as likely benign based on ACMG/AMP sequence variant interpretation guidelines (Richards et al. 2015 PMID: 25741868, with internal and published modifications).

CeGaT Center for Human Genetics Tuebingen
Classification: Likely benign. Last evaluated: 2025-06-01. Review status: criteria provided, single submitter. Criteria: CeGaT Center For Human Genetics Tuebingen Variant Classification Criteria Version 2. Collection method: clinical testing. Allele origin: germline. Affected: yes. Observed: 2 variant alleles.
Comment: TTN: BP4, BP7

Ambry Genetics
Classification: Likely benign for Cardiovascular phenotype. Last evaluated: 2022-04-09. Review status: criteria provided, single submitter. Criteria: Ambry Variant Classification Scheme 2023. Collection method: clinical testing. Allele origin: germline.

Genome-Nilou Lab
Classification: Benign for Autosomal recessive limb-girdle muscular dystrophy type 2J. Last evaluated: 2021-09-10. Review status: criteria provided, single submitter. Criteria: ACMG Guidelines, 2015. Collection method: clinical testing. Allele origin: germline. Affected: no.

Genome-Nilou Lab
Classification: Benign for Myopathy, myofibrillar, 9, with early respiratory failure. Last evaluated: 2021-09-10. Review status: criteria provided, single submitter. Criteria: ACMG Guidelines, 2015. Collection method: clinical testing. Allele origin: germline. Affected: no.

Genome-Nilou Lab
Classification: Benign for Early-onset myopathy with fatal cardiomyopathy. Last evaluated: 2021-09-10. Review status: criteria provided, single submitter. Criteria: ACMG Guidelines, 2015. Collection method: clinical testing. Allele origin: germline. Affected: no.

Genome-Nilou Lab
Classification: Benign for Tibial muscular dystrophy. Last evaluated: 2021-09-10. Review status: criteria provided, single submitter. Criteria: ACMG Guidelines, 2015. Collection method: clinical testing. Allele origin: germline. Affected: no.

GeneDx
Classification: Likely benign. Last evaluated: 2020-03-25. Review status: criteria provided, single submitter. Criteria: GeneDx Variant Classification Process June 2021. Collection method: clinical testing. Allele origin: germline. Affected: yes.

Eurofins Ntd Llc (ga)
Classification: Likely benign. Last evaluated: 2016-02-12. Review status: criteria provided, single submitter. Criteria: EGL Classification Definitions 2015. Collection method: clinical testing. Allele origin: germline. Observed: 3 variant alleles, 3 heterozygotes.

Clinical Genetics DNA and cytogenetics Diagnostics Lab, Erasmus MC, Erasmus Medical Center
Classification: Likely benign. Review status: no assertion criteria provided. Collection method: clinical testing. Allele origin: germline. Affected: yes. Study: VKGL Data-share Consensus. Not counted in ClinVar's aggregate classification.

Clinical Genetics, Academic Medical Center
Classification: Benign. Review status: no assertion criteria provided. Collection method: clinical testing. Allele origin: germline. Affected: yes. Study: VKGL Data-share Consensus. Not counted in ClinVar's aggregate classification.

Diagnostic Laboratory, Department of Genetics, University Medical Center Groningen
Classification: Likely benign. Review status: no assertion criteria provided. Collection method: clinical testing. Allele origin: germline. Affected: yes. Study: VKGL Data-share Consensus. Not counted in ClinVar's aggregate classification.